The following is an entry in ClinVar:

ClinVar aggregate classification (germline): Pathogenic (1 of 4 stars; one submission).

Conditions:
Developmental and epileptic encephalopathy, 37 (DEE37). Also called: Epileptic encephalopathy, early infantile, 37. Identifiers: MedGen C4310770, MONDO:0014859, OMIM 616981.

Submission:

Labcorp Genetics (formerly Invitae), Labcorp
Classification: Pathogenic for Developmental and epileptic encephalopathy, 37. Last evaluated: 2024-12-24. Review status: criteria provided, single submitter. Criteria: Invitae Variant Classification Sherloc (09022015). Collection method: clinical testing. Allele origin: germline.
Comment: This sequence change creates a premature translational stop signal (p.Phe158Leufs*21) in the FRRS1L gene. It is expected to result in an absent or disrupted protein product. Loss-of-function variants in FRRS1L are known to be pathogenic (PMID: 27236917). This variant is not present in population databases (gnomAD no frequency). This variant has not been reported in the literature in individuals affected with FRRS1L-related conditions. For these reasons, this variant has been classified as Pathogenic.

Literature cited by the submitters: PubMed 27236917.

NM_014334.4(FRRS1L):c.321del (p.Phe107fs)

Gene: FRRS1L (ferric chelate reductase 1 like; minus strand). Cytogenetic location: 9q31.3.
Variant type: Deletion.
Coding change: c.321del on transcript NM_014334.4 (MANE Select); coding-DNA position 321, one base deleted (T; older notation c.321delT).
Protein change: p.Phe107fs; shifts the reading frame from phenylalanine 107.
Molecular consequence: frameshift variant.
Genome position (GRCh38, 1-based): chr9:109,149,638, A deleted on the plus strand (T on the coding strand, the reverse complement: FRRS1L is on the minus strand); the first of 3 consecutive A bases (chr9:109,149,638-109,149,640); deleting any one gives the same sequence. VCF-style (leftmost placement, unchanged base first): chr9-109149637-TA-T. GRCh37 (hg19) VCF-style: chr9-111911917-TA-T.
Other names: short protein forms F107fs.
Identifiers: ClinVar variation 3727968 (VCV003727968.2).